The following is an entry in ClinVar:

ClinVar aggregate classification (germline): Likely benign. Review status: criteria provided, multiple submitters, no conflicts (2 of 4 stars). 3 submissions from 3 submitters: Likely benign (2). 1 of the submissions does not count toward it. Last evaluated 2025-10-31.

Conditions:
ARHGEF18-related disorder. Also called: ARHGEF18-related condition.

Allele frequency attached by ClinVar (database versions not stated): gnomAD exomes 0.00001 and 0.00003; ExAC 0.00007; 1000 Genomes Project 30x 0.00016; gnomAD 0.00017; TOPMed 0.00017; 1000 Genomes Project 0.00020.
gnomAD v4.1: 48 of 1,611,298 alleles (0.003%); highest among the groups gnomAD compares: African/African-American, 0.059%; no homozygotes.

Submissions (3):

Labcorp Genetics (formerly Invitae), Labcorp
Classification: Likely benign. Last evaluated: 2025-10-31. Review status: criteria provided, single submitter. Criteria: Invitae Variant Classification Sherloc (09022015). Collection method: clinical testing. Allele origin: germline.

Blueprint Genetics
Classification: Likely benign. Last evaluated: 2022-09-13. Review status: criteria provided, single submitter. Criteria: ACMG Guidelines, 2015. Collection method: clinical testing. Allele origin: germline.

PreventionGenetics, part of Exact Sciences
Classification: Likely benign for ARHGEF18-related condition. Last evaluated: 2019-12-23. Review status: no assertion criteria provided. Collection method: clinical testing. Allele origin: germline. Not counted in ClinVar's aggregate classification.
Comment: This variant is classified as likely benign based on ACMG/AMP sequence variant interpretation guidelines (Richards et al. 2015 PMID: 25741868, with internal and published modifications).

NM_001367823.1(ARHGEF18):c.1728C>T (p.Asn576=)

Gene: ARHGEF18 (Rho/Rac guanine nucleotide exchange factor 18; plus strand). Cytogenetic location: 19p13.2.
Variant type: single nucleotide variant.
Coding change: c.1728C>T on transcript NM_001367823.1 (MANE Select); coding-DNA position 1728, C replaced by T.
Protein change: p.Asn576=; no amino-acid change (asparagine 576 retained).
Molecular consequence: synonymous variant.
Genome position (GRCh38, 1-based): chr19:7,447,159, C>T. VCF-style: chr19-7447159-C-T. GRCh37 (hg19) VCF-style: chr19-7512045-C-T.
Other names: c.1002C>T, p.Asn334= (NM_001130955.2); c.690C>T, p.Asn230= (NM_001367824.1, NM_015318.4); c.1164C>T (NM_001130955.1).
Identifiers: ClinVar variation 1104729 (VCV001104729.12), dbSNP rs576845619, ClinGen allele CA9136555.